The following is an entry in ClinVar:

ClinVar aggregate classification (germline): Uncertain significance. Review status: criteria provided, multiple submitters, no conflicts (2 of 4 stars). 2 submissions from 2 submitters: Uncertain significance (2). Last evaluated 2025-11-18.

Conditions:
Mosaic variegated aneuploidy syndrome 2 (MVA2). Identifiers: Orphanet 1052, MedGen C3279843, MONDO:0013582, OMIM 614114.
Inborn genetic diseases. Identifiers: MedGen C0950123, MeSH D030342.

Allele frequency attached by ClinVar (database versions not stated): ExAC 0.00001; gnomAD exomes below 0.00001; gnomAD 0.00001; TOPMed 0.00002.
gnomAD v4.1: 8 of 1,613,704 alleles (0.0005%); highest among the groups gnomAD compares: Admixed American, 0.005%; no homozygotes.

Submissions (2):

Labcorp Genetics (formerly Invitae), Labcorp
Classification: Uncertain significance for Mosaic variegated aneuploidy syndrome 2. Last evaluated: 2025-11-18. Review status: criteria provided, single submitter. Criteria: Invitae Variant Classification Sherloc (09022015). Collection method: clinical testing. Allele origin: germline.
Comment: This sequence change replaces isoleucine, which is neutral and non-polar, with threonine, which is neutral and polar, at codon 102 of the CEP57 protein (p.Ile102Thr). This variant is present in population databases (rs763970433, gnomAD 0.01%). This variant has not been reported in the literature in individuals affected with CEP57-related conditions. ClinVar contains an entry for this variant (Variation ID: 2895793). Invitae Evidence Modeling of protein sequence and biophysical properties (such as structural, functional, and spatial information, amino acid conservation, physicochemical variation, residue mobility, and thermodynamic stability) indicates that this missense variant is not expected to disrupt CEP57 protein function with a negative predictive value of 80%. In summary, the available evidence is currently insufficient to determine the role of this variant in disease. Therefore, it has been classified as a Variant of Uncertain Significance.

Ambry Genetics
Classification: Uncertain significance for Inborn genetic diseases. Last evaluated: 2025-02-07. Review status: criteria provided, single submitter. Criteria: Ambry Variant Classification Scheme 2023. Collection method: clinical testing. Allele origin: germline.

NM_014679.5(CEP57):c.305T>C (p.Ile102Thr)

Gene: CEP57 (centrosomal protein 57; plus strand). Cytogenetic location: 11q21.
Variant type: single nucleotide variant.
Coding change: c.305T>C on transcript NM_014679.5 (MANE Select); coding-DNA position 305, T replaced by C.
Protein change: p.Ile102Thr; replaces isoleucine 102 with threonine.
Molecular consequence: missense variant.
Genome position (GRCh38, 1-based): chr11:95,813,034, T>C. VCF-style: chr11-95813034-T-C. GRCh37 (hg19) VCF-style: chr11-95546198-T-C.
Other names: c.278T>C, p.Ile93Thr (NM_001243776.2); c.305T>C, p.Ile102Thr (NM_001243777.2); c.224T>C, p.Ile75Thr (NM_001363604.2); c.305T>C (NM_014679.4); short protein forms I93T, I102T, I75T.
Identifiers: ClinVar variation 2895793 (VCV002895793.4), dbSNP rs763970433, ClinGen allele CA6239431.
Genomic context (GRCh38, chr11:95,813,034, plus strand): 5'-GCTTGGAACTTGAGAGGATTCAGGCAGAAGAAAGTGTGAAAACCTTGTCTAGAGAAACAA[T>C]TGAATATAAGAAAGTACTGGATGAACAGATACAAGAAAGGGAGAATTCAAAGAATGAGGA-3'
Protein context (NP_055494.2, residues 92-112): ESVKTLSRET[Ile102Thr]EYKKVLDEQI